The following is an entry in ClinVar:

NM_004621.6(TRPC6):c.325G>A (p.Gly109Ser)

Gene: TRPC6 (transient receptor potential cation channel subfamily C member 6; minus strand). Cytogenetic location: 11q22.1.
Variant type: single nucleotide variant.
Coding change: c.325G>A on transcript NM_004621.6 (MANE Select); coding-DNA position 325, G replaced by A.
Protein change: p.Gly109Ser; replaces glycine 109 with serine.
Molecular consequence: missense variant.
Genome position (GRCh38, 1-based): chr11:101,504,644, C>T on the plus strand (G>A on the coding strand, the complement: TRPC6 is on the minus strand). VCF-style: chr11-101504644-C-T. GRCh37 (hg19) VCF-style: chr11-101375375-C-T.
Other names: short protein forms G109S.
Identifiers: ClinVar variation 2500623 (VCV002500623.2), dbSNP rs2496225722, ClinGen allele CA382451106.

ClinVar aggregate classification (germline): Pathogenic (1 of 4 stars; one submission).

Submission:

GeneDx
Classification: Pathogenic. Last evaluated: 2024-07-11. Review status: criteria provided, single submitter. Criteria: GeneDx Variant Classification Process June 2021. Collection method: clinical testing. Allele origin: germline.
Comment: Published functional studies demonstrate a gain of function for the G109S variant (PMID: 26892346); Not observed at significant frequency in large population cohorts (gnomAD); In silico analysis supports that this missense variant has a deleterious effect on protein structure/function; This variant is associated with the following publications: (PMID: 21415313, 34387384, 36007181, 36936781, 35056738, Okada_2021, 35315046, 26892346, 35755072, 19458060)